The following is an entry in ClinVar:

NM_001127222.2(CACNA1A):c.3841T>A (p.Tyr1281Asn)

Gene: CACNA1A (calcium voltage-gated channel subunit alpha1 A; minus strand). Cytogenetic location: 19p13.13.
Variant type: single nucleotide variant.
Coding change: c.3841T>A on transcript NM_001127222.2 (MANE Select); coding-DNA position 3841, T replaced by A.
Protein change: p.Tyr1281Asn; replaces tyrosine 1281 with asparagine.
Molecular consequence: missense variant.
Genome position (GRCh38, 1-based): chr19:13,277,110, A>T on the plus strand (T>A on the coding strand, the complement: CACNA1A is on the minus strand). VCF-style: chr19-13277110-A-T. GRCh37 (hg19) VCF-style: chr19-13387924-A-T.
Other names: c.3853T>A, p.Tyr1285Asn (NM_000068.4, NM_023035.3); c.3844T>A, p.Tyr1282Asn (NM_001127221.2, NM_001174080.2); short protein forms Y1285N, Y1281N, Y1282N.
Identifiers: ClinVar variation 861212 (VCV000861212.13), dbSNP rs1184262651, ClinGen allele CA404340473.

ClinVar aggregate classification (germline): Uncertain significance (1 of 4 stars; one submission).

Conditions:
Developmental and epileptic encephalopathy, 42 (DEE42A). Also called: DEVELOPMENTAL AND EPILEPTIC ENCEPHALOPATHY 42A; EPILEPTIC ENCEPHALOPATHY, EARLY INFANTILE, 42A; Epileptic encephalopathy, early infantile, 42. Identifiers: MedGen C4310716, MONDO:0014917, OMIM 617106.
Episodic ataxia type 2 (EA2). Also called: ACETAZOLAMIDE-RESPONSIVE HEREDITARY PAROXYSMAL CEREBELLAR ATAXIA; ATAXIA, EPISODIC, WITH NYSTAGMUS; ATAXIA, FAMILIAL PAROXYSMAL; CEREBELLAR ATAXIA, PAROXYSMAL, ACETAZOLAMIDE-RESPONSIVE; CEREBELLOPATHY, HEREDITARY PAROXYSMAL; EPISODIC ATAXIA, NYSTAGMUS-ASSOCIATED. Identifiers: Orphanet 97, MedGen C1720416, MONDO:0007163, OMIM 108500.

Submission:

Labcorp Genetics (formerly Invitae), Labcorp
Classification: Uncertain significance for Developmental and epileptic encephalopathy, 42; Episodic ataxia type 2. Last evaluated: 2020-01-10. Review status: criteria provided, single submitter. Criteria: Invitae Variant Classification Sherloc (09022015). Collection method: clinical testing. Allele origin: germline.
Comment: In summary, the available evidence is currently insufficient to determine the role of this variant in disease. Therefore, it has been classified as a Variant of Uncertain Significance. Algorithms developed to predict the effect of missense changes on protein structure and function (SIFT, PolyPhen-2, Align-GVGD) all suggest that this variant is likely to be disruptive, but these predictions have not been confirmed by published functional studies and their clinical significance is uncertain. This variant has not been reported in the literature in individuals with CACNA1A-related conditions. This variant is not present in population databases (ExAC no frequency). This sequence change replaces tyrosine with asparagine at codon 1282 of the CACNA1A protein (p.Tyr1282Asn). The tyrosine residue is highly conserved and there is a large physicochemical difference between tyrosine and asparagine.